The following is an entry in ClinVar:

NM_016188.5(ACTL6B):c.149del (p.Gly50fs)

Gene: ACTL6B (actin like 6B; minus strand). Cytogenetic location: 7q22.1.
Variant type: Deletion.
Coding change: c.149del on transcript NM_016188.5 (MANE Select); coding-DNA position 149, one base deleted (G; older notation c.149delG).
Protein change: p.Gly50fs; shifts the reading frame from glycine 50.
Molecular consequence: frameshift variant. On other transcripts: non-coding transcript variant (1).
Genome position (GRCh38, 1-based): chr7:100,655,540, C deleted on the plus strand (G on the coding strand, the reverse complement: ACTL6B is on the minus strand); the first of 6 consecutive C bases (chr7:100,655,540-100,655,545); deleting any one gives the same sequence. VCF-style (leftmost placement, unchanged base first): chr7-100655539-GC-G. GRCh37 (hg19) VCF-style: chr7-100253162-GC-G.
Other names: short protein forms G50fs.
Identifiers: ClinVar variation 4293542 (VCV004293542.3).

ClinVar aggregate classification (germline): Pathogenic/Likely pathogenic. Review status: criteria provided, multiple submitters, no conflicts (2 of 4 stars). 2 submissions from 2 submitters: Pathogenic (1); Likely pathogenic (1). Last evaluated 2025-04-05.

Conditions:
Developmental and epileptic encephalopathy, 76. Also called: EPILEPTIC ENCEPHALOPATHY, EARLY INFANTILE, 76; DEVELOPMENTAL DELAY, EPILEPTIC ENCEPHALOPATHY, CEREBRAL ATROPHY, AND ABNORMAL MYELINATION. Identifiers: MedGen C5193113, MONDO:0032768, OMIM 618468.

Submissions (2):

Dasa
Classification: Likely pathogenic. Last evaluated: 2025-04-05. Review status: criteria provided, single submitter. Criteria: DASA Assertion Criteria. Collection method: clinical testing. Allele origin: germline.
Comment: NM_016188.5(ACTL6B):c.149del (p.Gly50Alafs*40) is a frameshift variant in ACTL6B predicted to alter the reading frame and introduce a premature termination codon and is predicted to result in an absent or altered protein product. Loss of function is an established disease mechanism for ACTL6B-associated disorders. Also, this variant is absent from population databases. Based on the currently available evidence, this variant is classified as likely pathogenic.

3billion
Classification: Pathogenic for Developmental and epileptic encephalopathy, 76. Last evaluated: 2025-03-28. Review status: criteria provided, single submitter. Criteria: ACMG Guidelines, 2015. Collection method: clinical testing. Allele origin: germline. Affected: yes.